The following is an entry in ClinVar:

NM_002474.3(MYH11):c.5497G>A (p.Glu1833Lys)

Genes: MYH11 (myosin heavy chain 11; minus strand), NDE1 (nudE neurodevelopment protein 1; plus strand). Cytogenetic location: 16p13.11.
Variant type: single nucleotide variant.
Coding change: c.5497G>A on transcript NM_002474.3 (MANE Select); coding-DNA position 5497, G replaced by A.
Protein change: p.Glu1833Lys; replaces glutamic acid 1833 with lysine.
Molecular consequence: missense variant. On other transcripts: intron variant (2).
Genome position (GRCh38, 1-based): chr16:15,717,147, C>T on the plus strand (G>A on the coding strand, the complement: MYH11 is on the minus strand). VCF-style: chr16-15717147-C-T. GRCh37 (hg19) VCF-style: chr16-15811004-C-T.
Other names: c.5518G>A, p.Glu1840Lys (NM_001040113.2, NM_001040114.2); c.5497G>A, p.Glu1833Lys (NM_022844.3); c.948-7044C>T (NM_001143979.2, NM_017668.3); short protein forms E1840K, E1833K.
Identifiers: ClinVar variation 578707 (VCV000578707.8), dbSNP rs1567687398, ClinGen allele CA394848772.

ClinVar aggregate classification (germline): Uncertain significance (1 of 4 stars; one submission).

Conditions:
Aortic aneurysm, familial thoracic 4 (AAT4). Also called: AORTIC ANEURYSM/AORTIC DISSECTION AND PATENT DUCTUS ARTERIOSUS. Identifiers: MedGen C1851504, MONDO:0007568, OMIM 132900.

Submission:

Labcorp Genetics (formerly Invitae), Labcorp
Classification: Uncertain significance for Aortic aneurysm, familial thoracic 4. Last evaluated: 2018-06-28. Review status: criteria provided, single submitter. Criteria: Invitae Variant Classification Sherloc (09022015). Collection method: clinical testing. Allele origin: germline.
Comment: This sequence change replaces glutamic acid with lysine at codon 1840 of the MYH11 protein (p.Glu1840Lys). The glutamic acid residue is highly conserved and there is a small physicochemical difference between glutamic acid and lysine. This variant is not present in population databases (ExAC no frequency). This variant has not been reported in the literature in individuals with MYH11-related disease. Algorithms developed to predict the effect of missense changes on protein structure and function (SIFT, PolyPhen-2, Align-GVGD) all suggest that this variant is likely to be disruptive, but these predictions have not been confirmed by published functional studies and their clinical significance is uncertain. In summary, the available evidence is currently insufficient to determine the role of this variant in disease. Therefore, it has been classified as a Variant of Uncertain Significance.